The following is an entry in ClinVar:

NM_000466.3(PEX1):c.3438G>A (p.Leu1146=)

Genes: PEX1 (peroxisomal biogenesis factor 1; minus strand), GATAD1 (GATA zinc finger domain containing 1; plus strand). Cytogenetic location: 7q21.2.
Variant type: single nucleotide variant.
Coding change: c.3438G>A on transcript NM_000466.3 (MANE Select); coding-DNA position 3438, G replaced by A.
Protein change: p.Leu1146=; no amino-acid change (leucine 1146 retained).
Molecular consequence: synonymous variant.
Genome position (GRCh38, 1-based): chr7:92,491,272, C>T on the plus strand (G>A on the coding strand, the complement: PEX1 is on the minus strand). VCF-style: chr7-92491272-C-T. GRCh37 (hg19) VCF-style: chr7-92120586-C-T.
Other names: c.3267G>A, p.Leu1089= (NM_001282677.2); c.2814G>A, p.Leu938= (NM_001282678.2).
Identifiers: ClinVar variation 643006 (VCV000643006.10), dbSNP rs1585214175, ClinGen allele CA456623668.

ClinVar aggregate classification (germline): Uncertain significance (1 of 4 stars; one submission).

Conditions:
Zellweger spectrum disorders (ZS). Also called: Zellweger Spectrum Disorder; Zellweger Spectrum; Zellweger syndrome; Zellweger Spectrum Disorder (ZSD). Identifiers: Orphanet 912, MedGen C0043459, MONDO:0019609.

Allele frequency attached by ClinVar (database versions not stated): gnomAD exomes below 0.00001.
gnomAD v4.1: 1 of 1,583,296 alleles (0.000063%); highest among the groups gnomAD compares: Non-Finnish European, 0.000087%; no homozygotes.

Submission:

Labcorp Genetics (formerly Invitae), Labcorp
Classification: Uncertain significance for Zellweger spectrum disorders. Last evaluated: 2018-12-30. Review status: criteria provided, single submitter. Criteria: Invitae Variant Classification Sherloc (09022015). Collection method: clinical testing. Allele origin: germline.
Comment: This sequence change affects codon 1146 of the PEX1 mRNA. It is a 'silent' change, meaning that it does not change the encoded amino acid sequence of the PEX1 protein. This variant also falls at the last nucleotide of exon 21 of the PEX1 coding sequence, which is part of the consensus splice site for this exon. This variant is not present in population databases (ExAC no frequency). This variant has not been reported in the literature in individuals with PEX1-related conditions. Nucleotide substitutions within the consensus splice site are a relatively common cause of aberrant splicing (PMID: 17576681, 9536098). Algorithms developed to predict the effect of sequence changes on RNA splicing suggest that this variant may disrupt the consensus splice site, but this prediction has not been confirmed by published transcriptional studies. In summary, the available evidence is currently insufficient to determine the role of this variant in disease. Therefore, it has been classified as a Variant of Uncertain Significance.

Literature cited by the submitters: PubMed 17576681; PubMed 9536098.